The following is an entry in ClinVar:

NM_001127208.3(TET2):c.4976A>C (p.Tyr1659Ser)

Genes: TET2 (tet methylcytosine dioxygenase 2; plus strand), TET2-AS1 (TET2 antisense RNA 1; minus strand). Cytogenetic location: 4q24.
Variant type: single nucleotide variant.
Coding change: c.4976A>C on transcript NM_001127208.3 (MANE Select); coding-DNA position 4976, A replaced by C.
Protein change: p.Tyr1659Ser; replaces tyrosine 1659 with serine.
Molecular consequence: missense variant.
Genome position (GRCh38, 1-based): chr4:105,275,486, A>C. VCF-style: chr4-105275486-A-C. GRCh37 (hg19) VCF-style: chr4-106196643-A-C.
Other names: short protein forms Y1659S.
Identifiers: ClinVar variation 3645602 (VCV003645602.2).

ClinVar aggregate classification (germline): Uncertain significance (1 of 4 stars; one submission).

Submission:

Labcorp Genetics (formerly Invitae), Labcorp
Classification: Uncertain significance. Last evaluated: 2024-03-12. Review status: criteria provided, single submitter. Criteria: Invitae Variant Classification Sherloc (09022015). Collection method: clinical testing. Allele origin: germline.
Comment: This sequence change replaces tyrosine, which is neutral and polar, with serine, which is neutral and polar, at codon 1659 of the TET2 protein (p.Tyr1659Ser). This variant is not present in population databases (gnomAD no frequency). This variant has not been reported in the literature in individuals affected with TET2-related conditions. An algorithm developed to predict the effect of missense changes on protein structure and function (PolyPhen-2) suggests that this variant is likely to be disruptive. In summary, the available evidence is currently insufficient to determine the role of this variant in disease. Therefore, it has been classified as a Variant of Uncertain Significance.